The following is an entry in ClinVar:

ClinVar aggregate classification (germline): Uncertain significance (1 of 4 stars; one submission).

Conditions:
Gamma-aminobutyric acid transaminase deficiency (GABATD). Also called: GABA aminotransaminase deficiency; GABA transaminase deficiency; Gamma aminobutyrate transaminase deficiency; 4 alpha aminobutyrate transaminase deficiency. Identifiers: Orphanet 2066, MedGen C0342708, MONDO:0013166, OMIM 613163.

Submission:

Labcorp Genetics (formerly Invitae), Labcorp
Classification: Uncertain significance for Gamma-aminobutyric acid transaminase deficiency. Last evaluated: 2022-07-26. Review status: criteria provided, single submitter. Criteria: Invitae Variant Classification Sherloc (09022015). Collection method: clinical testing. Allele origin: germline.
Comment: This variant is a gross deletion of the genomic region encompassing exon(s) 7-8 of the ABAT gene. This variant would be expected to be in-frame, preserving the integrity of the reading frame. This variant has not been reported in the literature in individuals affected with ABAT-related conditions. In summary, the available evidence is currently insufficient to determine the role of this variant in disease. Therefore, it has been classified as a Variant of Uncertain Significance.

NC_000016.9:g.(?_8857906)_(8858707_?)del

Gene: ABAT (4-aminobutyrate aminotransferase; plus strand). Cytogenetic location: 16p13.2.
Variant type: Deletion.
Identifiers: ClinVar variation 1448418 (VCV001448418.8).